The following is an entry in ClinVar:

ClinVar aggregate classification (germline): Pathogenic. Review status: criteria provided, multiple submitters, no conflicts (2 of 4 stars). 3 submissions from 3 submitters: Pathogenic (2). 1 of the submissions does not count toward it. Last evaluated 2024-03-29.

Conditions:
Leukodystrophy, hypomyelinating, 23, with ataxia, deafness, liver dysfunction, and dilated cardiomyopathy (HLD23). Identifiers: MedGen C5562074, MONDO:0030514, OMIM 619688.

Allele frequency attached by ClinVar (database versions not stated): gnomAD 0.00002; TOPMed 0.00002; gnomAD exomes 0.00001.
gnomAD v4.1: 10 of 1,611,044 alleles (0.00062%); highest among the groups gnomAD compares: African/African-American, 0.008%; no homozygotes.

Submissions (3):

Greenwood Genetic Center Diagnostic Laboratories, Greenwood Genetic Center
Classification: Pathogenic for Leukodystrophy, hypomyelinating, 23, with ataxia, deafness, liver dysfunction, and dilated cardiomyopathy. Last evaluated: 2024-03-29. Review status: criteria provided, single submitter. Criteria: ACMG Guidelines, 2015. Collection method: clinical testing. Allele origin: germline. Affected: yes.
Comment: PS3, PM3, PM2, PP1, PP3

Victorian Clinical Genetics Services, Murdoch Childrens Research Institute
Classification: Pathogenic for Leukodystrophy, hypomyelinating, 23, with ataxia, deafness, liver dysfunction, and dilated cardiomyopathy. Last evaluated: 2023-07-17. Review status: criteria provided, single submitter. Criteria: ACMG Guidelines, 2015. Collection method: clinical testing. Allele origin: germline. Inheritance: Autosomal recessive inheritance. Affected: yes.
Comment: Based on the classification scheme VCGS_Germline_v1.3.4, this variant is classified as Pathogenic. Following criteria are met: 0102 - Loss of function is a known mechanism of disease in this gene and is associated with leukodystrophy, hypomyelinating, 23, with ataxia, deafness, liver dysfunction, and dilated cardiomyopathy (MIM#619688), where this may occur through the formation of cytoplasmic aggregates (PMID: 33964137). (I) 0106 - This gene is associated with autosomal recessive disease. (I) 0200 - Variant is predicted to result in a missense amino acid change from arginine to glutamine. (I) 0252 - This variant is homozygous. (I) 0304 - Variant is present in gnomAD (v2) <0.01 for a recessive condition (5 heterozygotes, 0 homozygotes). (SP) 0309 - An alternative amino acid change at the same position has been observed in gnomAD (v3) (2 heterozygotes, 0 homozygotes). (I) 0502 - Missense variant with conflicting in silico predictions and uninformative conservation. (I) 0600 - Variant is located in the annotated RNF220 family domain (DECIPHER). (I) 0802 - This variant has moderate previous evidence of pathogenicity in unrelated individuals. Three of these families were found to have common ancestry by haplotype analysis (PMID: 36083980, PMID: 33964137). (SP) 0901 - This variant has strong evidence for segregation with disease. This variant has been found to segregate extensively in multiple affected individuals within several families (PMID: 33964137). (SP) 1001 - This variant has strong functional evidence supporting abnormal protein function. Fibroblasts from affected individuals demonstrated protein mislocalization, and transfected cells showed impaired lamin B1 binding (PMID: 33964137). (SP) 1208 - Inheritance information for this variant is not currently available in this individual. (I) Legend: (SP) - Supporting pathogenic, (I) - Information, (SB) - Supporting benign

OMIM
Classification: Pathogenic for LEUKODYSTROPHY, HYPOMYELINATING, 23, WITH ATAXIA, DEAFNESS, LIVER DYSFUNCTION, AND DILATED CARDIOMYOPATHY. Last evaluated: 2023-04-10. Review status: no assertion criteria provided. Collection method: literature only. Allele origin: germline. Not counted in ClinVar's aggregate classification.

Literature cited by the submitters: PubMed 33964137 (cited by Victorian Clinical Genetics Services, Murdoch Childrens Research Institute and OMIM); PubMed 36083980 (cited by Victorian Clinical Genetics Services, Murdoch Childrens Research Institute and OMIM).

NM_018150.4(RNF220):c.1094G>A (p.Arg365Gln)

Gene: RNF220 (ring finger protein 220; plus strand). Cytogenetic location: 1p34.1.
Variant type: single nucleotide variant.
Coding change: c.1094G>A on transcript NM_018150.4 (MANE Select); coding-DNA position 1094, G replaced by A.
Protein change: p.Arg365Gln; replaces arginine 365 with glutamine.
Molecular consequence: missense variant.
Genome position (GRCh38, 1-based): chr1:44,636,130, G>A. VCF-style: chr1-44636130-G-A. GRCh37 (hg19) VCF-style: chr1-45101802-G-A.
Other names: RNF220, ARG365GLN (rs1010750511); p.(Arg365Gln); c.1094G>A (NM_018150.3); c.1094G>A, p.Arg365Gln (NM_001319956.1, NM_001376488.1); c.455G>A, p.Arg152Gln (NM_001319957.2); c.1172G>A, p.Arg391Gln (NM_001376486.1, NM_001376487.1); c.320G>A, p.Arg107Gln (NM_001376489.1); short protein forms R365Q, R107Q, R152Q, R391Q.
Identifiers: ClinVar variation 1333093 (VCV001333093.4), dbSNP rs1010750511, ClinGen allele CA21723212.